The following is an entry in ClinVar:

NM_001312673.2(PCYT1A):c.556A>G (p.Lys186Glu)

Gene: PCYT1A (phosphate cytidylyltransferase 1A, choline; minus strand). Cytogenetic location: 3q29.
Variant type: single nucleotide variant.
Coding change: c.556A>G on transcript NM_001312673.2 (MANE Select); coding-DNA position 556, A replaced by G.
Protein change: p.Lys186Glu; replaces lysine 186 with glutamic acid.
Molecular consequence: missense variant.
Genome position (GRCh38, 1-based): chr3:196,242,571, T>C on the plus strand (A>G on the coding strand, the complement: PCYT1A is on the minus strand). VCF-style: chr3-196242571-T-C. GRCh37 (hg19) VCF-style: chr3-195969442-T-C.
Other names: c.556A>G, p.Lys186Glu (NM_005017.4); short protein forms K186E.
Identifiers: ClinVar variation 1062448 (VCV001062448.5), dbSNP rs773571578, ClinGen allele CA90853356.

ClinVar aggregate classification (germline): Uncertain significance. Review status: criteria provided, multiple submitters, no conflicts (2 of 4 stars). 2 submissions from 2 submitters: Uncertain significance (2). Last evaluated 2024-02-23.

Allele frequency attached by ClinVar (database versions not stated): gnomAD 0.00001; gnomAD exomes 0.00001 and 0.00002; TOPMed 0.00001.

Submissions (2):

Labcorp Genetics (formerly Invitae), Labcorp
Classification: Uncertain significance. Last evaluated: 2024-02-23. Review status: criteria provided, single submitter. Criteria: Invitae Variant Classification Sherloc (09022015). Collection method: clinical testing. Allele origin: germline.
Comment: This sequence change replaces lysine, which is basic and polar, with glutamic acid, which is acidic and polar, at codon 186 of the PCYT1A protein (p.Lys186Glu). This variant is present in population databases (rs773571578, gnomAD 0.003%). This variant has not been reported in the literature in individuals affected with PCYT1A-related conditions. ClinVar contains an entry for this variant (Variation ID: 1062448). Advanced modeling of protein sequence and biophysical properties (such as structural, functional, and spatial information, amino acid conservation, physicochemical variation, residue mobility, and thermodynamic stability) performed at Invitae indicates that this missense variant is expected to disrupt PCYT1A protein function with a positive predictive value of 95%. In summary, the available evidence is currently insufficient to determine the role of this variant in disease. Therefore, it has been classified as a Variant of Uncertain Significance.

Blueprint Genetics
Classification: Uncertain significance. Last evaluated: 2024-02-02. Review status: criteria provided, single submitter. Criteria: ACMG Guidelines, 2015. Collection method: clinical testing. Allele origin: germline.